The following is an entry in ClinVar:

NM_018238.4(AGK):c.241G>A (p.Glu81Lys)

Gene: AGK (acylglycerol kinase; plus strand). Cytogenetic location: 7q34.
Variant type: single nucleotide variant.
Coding change: c.241G>A on transcript NM_018238.4 (MANE Select); coding-DNA position 241, G replaced by A.
Protein change: p.Glu81Lys; replaces glutamic acid 81 with lysine.
Molecular consequence: missense variant.
Genome position (GRCh38, 1-based): chr7:141,601,224, G>A. VCF-style: chr7-141601224-G-A. GRCh37 (hg19) VCF-style: chr7-141301024-G-A.
Other names: c.241G>A, p.Glu81Lys (NM_001364948.3); short protein forms E81K.
Identifiers: ClinVar variation 2141788 (VCV002141788.2), dbSNP rs781011525, ClinGen allele CA4517364.

ClinVar aggregate classification (germline): Uncertain significance (1 of 4 stars; one submission).

Conditions:
Cataract 38. Also called: Cataract, autosomal recessive congenital 5; Cataract 38, autosomal recessive. Identifiers: Orphanet 91492, MedGen C3553494, MONDO:0013859, OMIM 614691.
Sengers syndrome. Also called: MITOCHONDRIAL DNA DEPLETION SYNDROME 10 (CARDIOMYOPATHIC TYPE); Cardiomyopathy and cataract. Identifiers: Orphanet 1369, MedGen C1859317, MONDO:0008922, OMIM 212350.

Allele frequency attached by ClinVar (database versions not stated): gnomAD exomes below 0.00001; ExAC 0.00001; gnomAD 0.00001; TOPMed 0.00002.
gnomAD v4.1: 3 of 1,612,008 alleles (0.00019%); highest among the groups gnomAD compares: Admixed American, 0.005%; no homozygotes.

Submission:

Labcorp Genetics (formerly Invitae), Labcorp
Classification: Uncertain significance for Sengers syndrome; Cataract 38. Last evaluated: 2021-12-24. Review status: criteria provided, single submitter. Criteria: Invitae Variant Classification Sherloc (09022015). Collection method: clinical testing. Allele origin: germline.
Comment: This sequence change replaces glutamic acid, which is acidic and polar, with lysine, which is basic and polar, at codon 81 of the AGK protein (p.Glu81Lys). This variant is present in population databases (rs781011525, gnomAD 0.01%). In summary, the available evidence is currently insufficient to determine the role of this variant in disease. Therefore, it has been classified as a Variant of Uncertain Significance. Algorithms developed to predict the effect of missense changes on protein structure and function (SIFT, PolyPhen-2, Align-GVGD) all suggest that this variant is likely to be tolerated. This variant has not been reported in the literature in individuals affected with AGK-related conditions.